The following is an entry in ClinVar:

ClinVar aggregate classification (germline): Uncertain significance. Review status: criteria provided, multiple submitters, no conflicts (2 of 4 stars). 3 submissions from 3 submitters: Uncertain significance (3). Last evaluated 2024-12-05.

Conditions:
Hereditary sensory and autonomic neuropathy type 6. Also called: HSAN VI; Neuropathy, hereditary sensory and autonomic, type VI. Identifiers: Orphanet 314381, MedGen C3539003, MONDO:0013839, OMIM 614653.
Epidermolysis bullosa simplex 3, localized or generalized intermediate, with BP230 deficiency (EBS3). Also called: Epidermolysis bullosa simplex due to BP230 deficiency; Epidermolysis bullosa simplex, autosomal recessive 2. Identifiers: Orphanet 412181, MedGen C3809470, MONDO:0014180, OMIM 615425.
Inborn genetic diseases. Identifiers: MedGen C0950123, MeSH D030342.

Allele frequency attached by ClinVar (database versions not stated): gnomAD 0.00001; gnomAD exomes 0.00002; TOPMed 0.00002.
gnomAD v4.1: 32 of 1,613,758 alleles (0.002%); highest among the groups gnomAD compares: Non-Finnish European, 0.0027%; no homozygotes.

Submissions (3):

GeneDx
Classification: Uncertain significance. Last evaluated: 2024-12-05. Review status: criteria provided, single submitter. Criteria: GeneDx Variant Classification Process June 2021. Collection method: clinical testing. Allele origin: germline. Affected: yes.
Comment: Not observed at significant frequency in large population cohorts (gnomAD); In silico analysis supports that this missense variant has a deleterious effect on protein structure/function; Has not been previously published as pathogenic or benign to our knowledge; Reported using the transcript encoding the epithelial isoform of the gene.

Labcorp Genetics (formerly Invitae), Labcorp
Classification: Uncertain significance for Epidermolysis bullosa simplex 3, localized or generalized intermediate, with BP230 deficiency; Hereditary sensory and autonomic neuropathy type 6. Last evaluated: 2023-10-13. Review status: criteria provided, single submitter. Criteria: Invitae Variant Classification Sherloc (09022015). Collection method: clinical testing. Allele origin: germline.
Comment: This sequence change replaces aspartic acid, which is acidic and polar, with glycine, which is neutral and non-polar, at codon 76 of the DST protein (p.Asp76Gly). This variant is present in population databases (no rsID available, gnomAD 0.002%). This variant has not been reported in the literature in individuals affected with DST-related conditions. ClinVar contains an entry for this variant (Variation ID: 1779138). An algorithm developed to predict the effect of missense changes on protein structure and function (PolyPhen-2) suggests that this variant is likely to be disruptive. In summary, the available evidence is currently insufficient to determine the role of this variant in disease. Therefore, it has been classified as a Variant of Uncertain Significance.

Ambry Genetics
Classification: Uncertain significance for Inborn genetic diseases. Last evaluated: 2022-01-28. Review status: criteria provided, single submitter. Criteria: Ambry Variant Classification Scheme 2023. Collection method: clinical testing. Allele origin: germline.
Comment: The p.D580G variant (also known as c.1739A>G), located in coding exon 15 of the DST gene, results from an A to G substitution at nucleotide position 1739. The aspartic acid at codon 580 is replaced by glycine, an amino acid with similar properties. This amino acid position is highly conserved in available vertebrate species. In addition, this alteration is predicted to be deleterious by in silico analysis. Since supporting evidence is limited at this time, the clinical significance of this alteration remains unclear.

NM_001374736.1(DST):c.1838A>G (p.Asp613Gly)

Gene: DST (dystonin; minus strand). Cytogenetic location: 6p12.1.
Variant type: single nucleotide variant.
Coding change: c.1838A>G on transcript NM_001374736.1 (MANE Select); coding-DNA position 1838, A replaced by G.
Protein change: p.Asp613Gly; replaces aspartic acid 613 with glycine.
Molecular consequence: missense variant.
Genome position (GRCh38, 1-based): chr6:56,642,444, T>C on the plus strand (A>G on the coding strand, the complement: DST is on the minus strand). VCF-style: chr6-56642444-T-C. GRCh37 (hg19) VCF-style: chr6-56507242-T-C.
Other names: c.1739A>G, p.Asp580Gly (NM_001144769.5); c.1325A>G, p.Asp442Gly (NM_001144770.2); c.1838A>G, p.Asp613Gly (NM_001374722.1); c.1205A>G, p.Asp402Gly (NM_001374729.1, NM_001374730.1, NM_001386100.1 and 1 more transcripts); c.1865A>G, p.Asp622Gly (NM_001374734.1); c.227A>G, p.Asp76Gly (NM_001723.7, NM_015548.5); c.227A>G (NM_001723.5); short protein forms D580G, D76G, D402G, D442G, D613G, D622G.
Identifiers: ClinVar variation 1779138 (VCV001779138.7), dbSNP rs1168346607, ClinGen allele CA364615240.